The following is an entry in ClinVar:

ClinVar aggregate classification (germline): Uncertain significance (1 of 4 stars; one submission).

Submission:

Labcorp Genetics (formerly Invitae), Labcorp
Classification: Uncertain significance. Last evaluated: 2023-09-01. Review status: criteria provided, single submitter. Criteria: Invitae Variant Classification Sherloc (09022015). Collection method: clinical testing. Allele origin: germline.
Comment: In summary, the available evidence is currently insufficient to determine the role of this variant in disease. Therefore, it has been classified as a Variant of Uncertain Significance. This variant has not been reported in the literature in individuals affected with RFWD3-related conditions. This variant is not present in population databases (gnomAD no frequency). This sequence change creates a premature translational stop signal (p.Tyr536*) in the RFWD3 gene. It is expected to result in an absent or disrupted protein product. However, the current clinical and genetic evidence is not sufficient to establish whether loss-of-function variants in RFWD3 cause disease.

NM_018124.4(RFWD3):c.1608del (p.Thr535_Tyr536insTer)

Gene: RFWD3 (ring finger and WD repeat domain 3; minus strand). Cytogenetic location: 16q23.1.
Variant type: Deletion.
Coding change: c.1608del on transcript NM_018124.4 (MANE Select); coding-DNA position 1608, one base deleted (T; older notation c.1608delT).
Protein change: p.Thr535_Tyr536insTer.
Molecular consequence: nonsense. On other transcripts: frameshift variant (1), intron variant (1).
Genome position (GRCh38, 1-based): chr16:74,630,927, A deleted on the plus strand (T on the coding strand, the reverse complement: RFWD3 is on the minus strand). VCF-style (leftmost placement, unchanged base first): chr16-74630926-TA-T. GRCh37 (hg19) VCF-style: chr16-74664824-TA-T.
Other names: c.1608del, p.Thr535_Tyr536insTer (NM_001370534.1, NM_001370535.1); c.774del, p.Thr257_Tyr258insTer (NM_001370537.1, NM_001370539.1, NM_001370540.1 and 2 more transcripts); c.774delT, p.Tyr258Terfs (NM_001370541.1); c.1577+1596del (NM_001370536.1).
Identifiers: ClinVar variation 2760269 (VCV002760269.3), dbSNP rs2529821063, ClinGen allele CA2697555953.